The following is an entry in ClinVar:

ClinVar aggregate classification (germline): Likely benign (1 of 4 stars; one submission).

gnomAD v4.1: 1 of 1,613,840 alleles (0.000062%); highest among the groups gnomAD compares: South Asian, 0.0011%; no homozygotes.

Submission:

Women's Health and Genetics/Laboratory Corporation of America, LabCorp
Classification: Likely benign. Last evaluated: 2024-07-30. Review status: criteria provided, single submitter. Criteria: LabCorp Variant Classification Summary - May 2015. Collection method: clinical testing. Allele origin: germline.
Comment: Variant summary: PCDH15 c.733C>A results in a synonymous change. Consensus agreement among computation tools predict no significant impact on normal splicing. However, these predictions have yet to be confirmed by functional studies. The variant allele was found at a frequency of 4e-06 in 251064 control chromosomes. The available data on variant occurrences in the general population are insufficient to allow any conclusion about variant significance. To our knowledge, no occurrence of c.733C>A in individuals affected with Usher Syndrome Type 1F and no experimental evidence demonstrating its impact on protein function have been reported. No submitters have cited clinical-significance assessments for this variant to ClinVar. Based on the evidence outlined above, the variant was classified as likely benign.

NM_001384140.1(PCDH15):c.733C>A (p.Arg245=)

Gene: PCDH15 (protocadherin related 15; minus strand). Cytogenetic location: 10q21.1.
Variant type: single nucleotide variant.
Coding change: c.733C>A on transcript NM_001384140.1 (MANE Select); coding-DNA position 733, C replaced by A.
Protein change: p.Arg245=; no amino-acid change (arginine 245 retained).
Molecular consequence: synonymous variant.
Genome position (GRCh38, 1-based): chr10:54,317,414, G>T on the plus strand (C>A on the coding strand, the complement: PCDH15 is on the minus strand). VCF-style: chr10-54317414-G-T. GRCh37 (hg19) VCF-style: chr10-56077174-G-T.
Other names: c.667C>A, p.Arg223= (NM_001354404.2, NM_001142768.2, NM_001142773.2); c.733C>A, p.Arg245= (NM_001354411.2, NM_033056.4, NM_001354420.2 and 7 more transcripts); c.748C>A, p.Arg250= (NM_001142763.2, NM_001142769.4, NM_001142771.2); c.622C>A, p.Arg208= (NM_001142767.2).
Identifiers: ClinVar variation 3339157 (VCV003339157.1).